The following is an entry in ClinVar:

ClinVar aggregate classification (germline): Uncertain significance (1 of 4 stars; one submission).

Allele frequency attached by ClinVar (database versions not stated): gnomAD 0.00001; gnomAD exomes 0.00002.
gnomAD v4.1: 14 of 1,612,372 alleles (0.00087%); highest among the groups gnomAD compares: Non-Finnish European, 0.0012%; no homozygotes.

Submission:

GeneDx
Classification: Uncertain significance. Last evaluated: 2020-02-14. Review status: criteria provided, single submitter. Criteria: GeneDx Variant Classification Process June 2021. Collection method: clinical testing. Allele origin: germline. Affected: yes.
Comment: Not observed in large population cohorts (Lek et al., 2016); In silico analysis supports that this missense variant does not alter protein structure/function; Has not been previously published as pathogenic or benign to our knowledge

NM_005886.3(KATNB1):c.1360A>G (p.Ile454Val)

Gene: KATNB1 (katanin regulatory subunit B1; plus strand). Cytogenetic location: 16q21.
Variant type: single nucleotide variant.
Coding change: c.1360A>G on transcript NM_005886.3 (MANE Select); coding-DNA position 1360, A replaced by G.
Protein change: p.Ile454Val; replaces isoleucine 454 with valine.
Molecular consequence: missense variant.
Genome position (GRCh38, 1-based): chr16:57,755,182, A>G. VCF-style: chr16-57755182-A-G. GRCh37 (hg19) VCF-style: chr16-57789094-A-G.
Other names: short protein forms I454V.
Identifiers: ClinVar variation 1304740 (VCV001304740.2), dbSNP rs2049265820, ClinGen allele CA396072372.
Genomic context (GRCh38, chr16:57,755,182, plus strand): 5'-GAGGTCCTGCCCCGGCCCCCAGTGGTTGCTTCCACACCTGCACCCAAGGCTGAGCCTGCC[A>G]TCATCCCTGCCACCCGGAACGAGCCCATCGGGCTGAAGGCCTCCGACTTCCTGCCCGTGA-3'
Protein context (NP_005877.2, residues 444-464): STPAPKAEPA[Ile454Val]IPATRNEPIG